The following is an entry in ClinVar:

ClinVar aggregate classification (germline): Uncertain significance. Review status: criteria provided, multiple submitters, no conflicts (2 of 4 stars). 2 submissions from 2 submitters: Uncertain significance (2). Last evaluated 2024-09-18.

Conditions:
Hereditary cancer-predisposing syndrome. Also called: Tumor predisposition; Hereditary Cancer Syndrome; Hereditary neoplastic syndrome; Neoplastic Syndromes, Hereditary. Identifiers: Orphanet 140162, MedGen C0027672, MeSH D009386, MONDO:0015356.
Rhabdoid tumor predisposition syndrome 2 (RTPS2). Identifiers: Orphanet 231108, Orphanet 69077, MedGen C2750074, MONDO:0013224, OMIM 613325.

Submissions (2):

Labcorp Genetics (formerly Invitae), Labcorp
Classification: Uncertain significance for Rhabdoid tumor predisposition syndrome 2. Last evaluated: 2024-09-18. Review status: criteria provided, single submitter. Criteria: Invitae Variant Classification Sherloc (09022015). Collection method: clinical testing. Allele origin: germline.
Comment: This variant, c.4816_4818del, results in the deletion of 1 amino acid(s) of the SMARCA4 protein (p.Glu1606del), but otherwise preserves the integrity of the reading frame. This variant is not present in population databases (gnomAD no frequency). This variant has not been reported in the literature in individuals affected with SMARCA4-related conditions. ClinVar contains an entry for this variant (Variation ID: 2587123). Experimental studies and prediction algorithms are not available or were not evaluated, and the functional significance of this variant is currently unknown. In summary, the available evidence is currently insufficient to determine the role of this variant in disease. Therefore, it has been classified as a Variant of Uncertain Significance.

Ambry Genetics
Classification: Uncertain significance for Hereditary cancer-predisposing syndrome. Last evaluated: 2023-07-17. Review status: criteria provided, single submitter. Criteria: Ambry Variant Classification Scheme 2023. Collection method: clinical testing. Allele origin: germline.
Comment: The c.4816_4818delGAG variant (also known as p.E1606del) is located in coding exon 33 of the SMARCA4 gene. This variant results from an in-frame GAG deletion at nucleotide positions 4816 to 4818. This results in the in-frame deletion of a glutamic acid at codon 1606. This amino acid position is well conserved in available vertebrate species. In addition, this alteration is predicted to be neutral by in silico analysis (Choi Y et al. PLoS ONE. 2012; 7(10):e46688). Missense and in-frame variants in SMARCA4 are known to cause neurodevelopmental disorders; however, such associations with rhabdoid tumor predisposition syndrome including small cell carcinoma of the ovary-hypercalcemic type (SCCOHT) are exceedingly rare (Kosho T et al. Am J Med Genet C Semin Med Genet. 2014 Sep;166C(3):262-75; Jelinic P et al. Nat Genet. 2014 May;46(5):424-6). Based on the supporting evidence, the association of this alteration with Coffin-Siris syndrome is unknown; however, the association of this alteration with rhabdoid tumor predisposition syndrome is unlikely.

NM_003072.5(SMARCA4):c.4717GAG[1] (p.Glu1574del)

Gene: SMARCA4 (SWI/SNF related BAF chromatin remodeling complex subunit ATPase 4; plus strand). Cytogenetic location: 19p13.2.
Variant type: Microsatellite.
Coding change: c.4717GAG[1] on transcript NM_003072.5 (MANE Select); one copy of the 3-base unit GAG starting at c.4717; the reference has two copies in a row; one copy, 3 bases deleted.
Protein change: p.Glu1574del; deletes glutamic acid 1574.
Molecular consequence: inframe deletion. On other transcripts: non-coding transcript variant (1).
Genome position (GRCh38, 1-based): chr19:11,059,837-11,059,839, GAG deleted; deleting any 3 consecutive bases within chr19:11,059,834-11,059,839 gives the same sequence; the position shown is the placement nearest the transcript's 3' end. VCF-style (leftmost placement, unchanged base first): chr19-11059833-CGAG-C. GRCh37 (hg19) VCF-style: chr19-11170509-CGAG-C.
Other names: c.4717GAG[1], p.Glu1574del (NM_001128844.3); c.4627GAG[1], p.Glu1544del (NM_001128845.2); c.4624GAG[1], p.Glu1543del (NM_001128846.2); c.4618GAG[1], p.Glu1541del (NM_001128847.4, NM_001374457.1); c.4615GAG[1], p.Glu1540del (NM_001128848.2); c.4813GAG[1], p.Glu1606del (NM_001128849.3, NM_001387283.1); c.4714GAG[1], p.Glu1573del (NM_001411150.1); short protein forms E1541del, E1540del, E1543del, E1544del, E1573del, E1574del, E1606del.
Identifiers: ClinVar variation 2587123 (VCV002587123.4), dbSNP rs2515805580, ClinGen allele CA2582342942.